The following is an entry in ClinVar:

ClinVar aggregate classification (germline): Uncertain significance. Review status: criteria provided, multiple submitters, no conflicts (2 of 4 stars). 3 submissions from 3 submitters: Uncertain significance (3). Last evaluated 2025-10-08.

Conditions:
Immunodeficiency 105 (IMD105). Also called: Immunodeficiency 105, severe combined. Identifiers: MedGen C5677005, MONDO:0800104, OMIM 619924.
Inborn genetic diseases. Identifiers: MedGen C0950123, MeSH D030342.
Immunodeficiency 104. Also called: SCID, AUTOSOMAL RECESSIVE, T CELL-NEGATIVE, B CELL-POSITIVE, NK CELL-POSITIVE; Severe Combined Immune Deficiency, Autosomal Recessive, TCell -Negative, B Cell-Positive, NK Cell-Positive, IL7R-Related; Severe combined immunodeficiency, autosomal recessive, T cell-negative, B cell-positive, NK cell-positive; IMMUNODEFICIENCY 104, SEVERE COMBINED. Identifiers: MedGen C5676890, MONDO:0012163, OMIM 608971.

Allele frequency attached by ClinVar (database versions not stated): TOPMed 0.00001; gnomAD exomes 0.00002; ExAC 0.00003; gnomAD 0.00003.
gnomAD v4.1: 27 of 1,456,744 alleles (0.0019%); highest among the groups gnomAD compares: Non-Finnish European, 0.0021%; no homozygotes.

Submissions (3):

Ambry Genetics
Classification: Uncertain significance for Inborn genetic diseases. Last evaluated: 2025-10-08. Review status: criteria provided, single submitter. Criteria: Ambry Variant Classification Scheme 2023. Collection method: clinical testing. Allele origin: germline.

Labcorp Genetics (formerly Invitae), Labcorp
Classification: Uncertain significance for Immunodeficiency 104. Last evaluated: 2024-10-16. Review status: criteria provided, single submitter. Criteria: Invitae Variant Classification Sherloc (09022015). Collection method: clinical testing. Allele origin: germline.
Comment: This sequence change replaces aspartic acid, which is acidic and polar, with asparagine, which is neutral and polar, at codon 560 of the PTPRC protein (p.Asp560Asn). This variant is present in population databases (rs760244730, gnomAD 0.006%). This variant has not been reported in the literature in individuals affected with PTPRC-related conditions. ClinVar contains an entry for this variant (Variation ID: 648796). An algorithm developed to predict the effect of missense changes on protein structure and function outputs the following: PolyPhen-2: "Benign". The asparagine amino acid residue is found in multiple mammalian species, which suggests that this missense change does not adversely affect protein function. In summary, the available evidence is currently insufficient to determine the role of this variant in disease. Therefore, it has been classified as a Variant of Uncertain Significance.

Fulgent Genetics
Classification: Uncertain significance for Immunodeficiency 105. Last evaluated: 2024-05-30. Review status: criteria provided, single submitter. Criteria: ACMG Guidelines, 2015. Collection method: clinical testing. Allele origin: germline.

NM_002838.5(PTPRC):c.1678G>A (p.Asp560Asn)

Gene: PTPRC (protein tyrosine phosphatase receptor type C; plus strand). Cytogenetic location: 1q32.1.
Variant type: single nucleotide variant.
Coding change: c.1678G>A on transcript NM_002838.5 (MANE Select); coding-DNA position 1678, G replaced by A.
Protein change: p.Asp560Asn; replaces aspartic acid 560 with asparagine.
Molecular consequence: missense variant.
Genome position (GRCh38, 1-based): chr1:198,722,434, G>A. VCF-style: chr1-198722434-G-A. GRCh37 (hg19) VCF-style: chr1-198691563-G-A.
Other names: c.1195G>A, p.Asp399Asn (NM_080921.4); c.1672G>A (NM_002838.3); short protein forms D399N, D560N.
Identifiers: ClinVar variation 648796 (VCV000648796.11), dbSNP rs760244730, ClinGen allele CA1314862.